The following is an entry in ClinVar:

ClinVar aggregate classification (germline): Uncertain significance (1 of 4 stars; one submission).

Conditions:
Leukoencephalopathy-thalamus and brainstem anomalies-high lactate syndrome. Also called: LEUKOENCEPHALOPATHY WITH THALAMUS AND BRAINSTEM INVOLVEMENT AND HIGH LACTATE; Combined oxidative phosphorylation deficiency 12. Identifiers: Orphanet 314051, MedGen C4706421, MONDO:0013971, OMIM 614924.

Submission:

Baylor Genetics
Classification: Uncertain significance for Leukoencephalopathy-thalamus and brainstem anomalies-high lactate syndrome. Last evaluated: 2018-12-19. Review status: criteria provided, single submitter. Criteria: ACMG Guidelines, 2015. Collection method: clinical testing. Allele origin: unknown. Affected: yes.
Comment: This variant was determined to be of uncertain significance according to ACMG Guidelines, 2015 [PMID:25741868].

NM_001083614.2(EARS2):c.745G>C (p.Glu249Gln)

Gene: EARS2 (glutamyl-tRNA synthetase 2, mitochondrial; minus strand). Cytogenetic location: 16p12.2.
Variant type: single nucleotide variant.
Coding change: c.745G>C on transcript NM_001083614.2 (MANE Select); coding-DNA position 745, G replaced by C.
Protein change: p.Glu249Gln; replaces glutamic acid 249 with glutamine.
Molecular consequence: missense variant. On other transcripts: non-coding transcript variant (1).
Genome position (GRCh38, 1-based): chr16:23,535,101, C>G on the plus strand (G>C on the coding strand, the complement: EARS2 is on the minus strand). VCF-style: chr16-23535101-C-G. GRCh37 (hg19) VCF-style: chr16-23546422-C-G.
Other names: c.745G>C, p.Glu249Gln (NM_001308211.1); short protein forms E249Q.
Identifiers: ClinVar variation 1033677 (VCV001033677.1), dbSNP rs1965392345, ClinGen allele CA395133682.